The following is an entry in ClinVar:

ClinVar aggregate classification (germline): Pathogenic (1 of 4 stars; one submission).

Conditions:
Ellis-van Creveld syndrome (EVC). Also called: MESOECTODERMAL DYSPLASIA; Chondroectodermal dysplasia. Identifiers: Orphanet 289, MedGen C0013903, MONDO:0009162, OMIM 225500.

Submission:

Myriad Genetics, Inc.
Classification: Pathogenic for Ellis-van Creveld syndrome. Last evaluated: 2025-05-15. Review status: criteria provided, single submitter. Criteria: Myriad Autosomal Dominant, Autosomal Recessive and X-Linked Classification Criteria (2023). Collection method: clinical testing. Allele origin: unknown.
Comment: NM_147127.4(EVC2):c.1030G>T(E344*) is expected to be pathogenic in the context of EVC2-related Ellis-van Creveld syndrome. This variant is predicted to lead to an abnormal or absent protein product due to the creation of a premature termination codon in EVC2, a gene where loss-of-function variants are known to be pathogenic. Please note: this variant was assessed in the context of healthy population screening.

NM_147127.5(EVC2):c.1030G>T (p.Glu344Ter)

Gene: EVC2 (EvC ciliary complex subunit 2; minus strand). Cytogenetic location: 4p16.2.
Variant type: single nucleotide variant.
Coding change: c.1030G>T on transcript NM_147127.5 (MANE Select); coding-DNA position 1030, G replaced by T.
Protein change: p.Glu344Ter; replaces glutamic acid 344 with a stop codon.
Molecular consequence: nonsense.
Genome position (GRCh38, 1-based): chr4:5,663,222, C>A on the plus strand (G>T on the coding strand, the complement: EVC2 is on the minus strand). VCF-style: chr4-5663222-C-A. GRCh37 (hg19) VCF-style: chr4-5664949-C-A.
Other names: c.790G>T, p.Glu264Ter (NM_001166136.2); short protein forms E264*, E344*.
Identifiers: ClinVar variation 5014442 (VCV005014442.1).